The following is an entry in ClinVar:

NM_006361.6(HOXB13):c.32G>A (p.Gly11Glu)

Gene: HOXB13 (homeobox B13; minus strand). Cytogenetic location: 17q21.32.
Variant type: single nucleotide variant.
Coding change: c.32G>A on transcript NM_006361.6 (MANE Select); coding-DNA position 32, G replaced by A.
Protein change: p.Gly11Glu; replaces glycine 11 with glutamic acid.
Molecular consequence: missense variant.
Genome position (GRCh38, 1-based): chr17:48,728,562, C>T on the plus strand (G>A on the coding strand, the complement: HOXB13 is on the minus strand). VCF-style: chr17-48728562-C-T. GRCh37 (hg19) VCF-style: chr17-46805924-C-T.
Other names: short protein forms G11E.
Identifiers: ClinVar variation 4844719 (VCV004844719.1).

ClinVar aggregate classification (germline): Uncertain significance (1 of 4 stars; one submission).

Conditions:
Hereditary cancer-predisposing syndrome. Also called: Neoplastic Syndromes, Hereditary; Tumor predisposition; Hereditary Cancer Syndrome; Hereditary neoplastic syndrome. Identifiers: Orphanet 140162, MedGen C0027672, MeSH D009386, MONDO:0015356.

Submission:

Ambry Genetics
Classification: Uncertain significance for Hereditary cancer-predisposing syndrome. Last evaluated: 2026-01-19. Review status: criteria provided, single submitter. Criteria: Ambry Variant Classification Scheme 2023. Collection method: clinical testing. Allele origin: germline.
Comment: The p.G11E variant (also known as c.32G>A), located in coding exon 1 of the HOXB13 gene, results from a G to A substitution at nucleotide position 32. The glycine at codon 11 is replaced by glutamic acid, an amino acid with similar properties. This amino acid position is conserved. In addition, this alteration is predicted to be tolerated by in silico analysis. Based on the available evidence, the clinical significance of this variant remains unclear.